The following is an entry in ClinVar:

ClinVar aggregate classification (germline): Pathogenic/Likely pathogenic. Review status: criteria provided, multiple submitters, no conflicts (2 of 4 stars). 2 submissions from 2 submitters: Pathogenic (1); Likely pathogenic (1). Last evaluated 2023-03-11.

Conditions:
SPG11-related disorder. Also called: SPG11-related condition.
Hereditary spastic paraplegia 11. Also called: Nakamura Osame syndrome; Autosomal recessive hereditary spastic paraplegia, mental impairment, and thin corpus callosum; Spastic paraplegia, mental retardation and thin corpus callosum; SPASTIC PARAPLEGIA, AUTOSOMAL RECESSIVE, COMPLICATED, WITH THIN CORPUS CALLOSUM; SPASTIC PARAPLEGIA, AUTOSOMAL RECESSIVE, WITH MENTAL IMPAIRMENT AND THIN CORPUS CALLOSUM; Spastic Paraplegia 11. Identifiers: Orphanet 2822, MedGen C1858479, MONDO:0011445, OMIM 604360.

Submissions (2):

Labcorp Genetics (formerly Invitae), Labcorp
Classification: Pathogenic for Hereditary spastic paraplegia 11. Last evaluated: 2023-03-11. Review status: criteria provided, single submitter. Criteria: Invitae Variant Classification Sherloc (09022015). Collection method: clinical testing. Allele origin: germline.
Comment: For these reasons, this variant has been classified as Pathogenic. This variant has not been reported in the literature in individuals affected with SPG11-related conditions. This variant is not present in population databases (gnomAD no frequency). This sequence change creates a premature translational stop signal (p.Thr1764Asnfs*30) in the SPG11 gene. It is expected to result in an absent or disrupted protein product. Loss-of-function variants in SPG11 are known to be pathogenic (PMID: 19105190, 20110243, 22154821, 26556829).

Blueprint Genetics
Classification: Likely pathogenic for SPG11-related disorders. Last evaluated: 2017-08-07. Review status: criteria provided, single submitter. Criteria: ACMG Guidelines, 2015. Collection method: clinical testing. Allele origin: germline. Affected: yes. Observed: 1 variant allele.

Literature cited by the submitters: PubMed 19105190 (cited by Labcorp Genetics (formerly Invitae), Labcorp); PubMed 20110243 (cited by Labcorp Genetics (formerly Invitae), Labcorp); PubMed 22154821 (cited by Labcorp Genetics (formerly Invitae), Labcorp); PubMed 26556829 (cited by Labcorp Genetics (formerly Invitae), Labcorp).

NM_025137.4(SPG11):c.5290dup (p.Thr1764fs)

Gene: SPG11 (SPG11 vesicle trafficking associated, spatacsin; minus strand). Cytogenetic location: 15q21.1.
Variant type: Duplication.
Coding change: c.5290dup on transcript NM_025137.4 (MANE Select); coding-DNA position 5290, one base duplicated (A; older notation c.5290dupA).
Protein change: p.Thr1764fs; shifts the reading frame from threonine 1764.
Molecular consequence: frameshift variant.
Genome position (GRCh38, 1-based): chr15:44,584,390, T duplicated on the plus strand (A on the coding strand, the reverse complement: SPG11 is on the minus strand); the first of 2 consecutive T bases (chr15:44,584,390-44,584,391); duplicating either gives the same sequence. VCF-style (leftmost placement, unchanged base first): chr15-44584389-G-GT. GRCh37 (hg19) VCF-style: chr15-44876587-G-GT.
Other names: c.5290dup, p.Thr1764fs (NM_001160227.2); c.5146dup, p.Thr1716fs (NM_001411132.1); short protein forms T1764fs, T1716fs.
Identifiers: ClinVar variation 3001558 (VCV003001558.4), dbSNP rs2082715392, ClinGen allele CA490330202.